The following is an entry in ClinVar:

ClinVar aggregate classification (germline): Uncertain significance (1 of 4 stars; one submission).

Conditions:
Neurodevelopmental disorder with absent language and variable seizures. Also called: ITO-RAYMOND SYNDROME. Identifiers: MedGen C5231469, MONDO:0032876, OMIM 618707.

Submission:

MGZ Medical Genetics Center
Classification: Uncertain significance for Neurodevelopmental disorder with absent language and variable seizures. Last evaluated: 2022-08-09. Review status: criteria provided, single submitter. Criteria: ACMG Guidelines, 2015. Collection method: clinical testing. Allele origin: germline. Affected: yes. Observed: 1 variant allele.
Comment: ACMG criteria applied: PS2_SUP, PM2_SUP, PP3

NM_003931.3(WASF1):c.1522G>A (p.Gly508Ser)

Gene: WASF1 (WASP family member 1; minus strand). Cytogenetic location: 6q21.
Variant type: single nucleotide variant.
Coding change: c.1522G>A on transcript NM_003931.3 (MANE Select); coding-DNA position 1522, G replaced by A.
Protein change: p.Gly508Ser; replaces glycine 508 with serine.
Molecular consequence: missense variant.
Genome position (GRCh38, 1-based): chr6:110,101,588, C>T on the plus strand (G>A on the coding strand, the complement: WASF1 is on the minus strand). VCF-style: chr6-110101588-C-T. GRCh37 (hg19) VCF-style: chr6-110422791-C-T.
Other names: c.1522G>A, p.Gly508Ser (NM_001024934.2, NM_001024935.2, NM_001024936.2); short protein forms G508S.
Identifiers: ClinVar variation 1709713 (VCV001709713.2), dbSNP rs2534211033, ClinGen allele CA365346988.